The following is an entry in ClinVar:

ClinVar aggregate classification (germline): Uncertain significance (1 of 4 stars; one submission).

Conditions:
Autosomal dominant limb-girdle muscular dystrophy type 1G (LGMDD3). Also called: Limb-girdle muscular dystrophy, type 1G; MUSCULAR DYSTROPHY, LIMB-GIRDLE, AUTOSOMAL DOMINANT 3. Identifiers: Orphanet 55596, MedGen C1836765, MONDO:0012193, OMIM 609115.

Allele frequency attached by ClinVar (database versions not stated): TOPMed 0.00001.
gnomAD v4.1: 1 of 1,372,326 alleles (0.000073%); highest among the groups gnomAD compares: African/African-American, 0.0015%; no homozygotes.

Submission:

Labcorp Genetics (formerly Invitae), Labcorp
Classification: Uncertain significance for Autosomal dominant limb-girdle muscular dystrophy type 1G. Last evaluated: 2017-11-28. Review status: criteria provided, single submitter. Criteria: Invitae Variant Classification Sherloc (09022015). Collection method: clinical testing. Allele origin: germline.
Comment: This sequence change replaces alanine with proline at codon 20 of the HNRNPDL protein (p.Ala20Pro). The alanine residue is moderately conserved and there is a small physicochemical difference between alanine and proline. While this variant is not present in population databases, the frequency information is unreliable, as metrics indicate poor data quality at this position in the ExAC database. This variant has not been reported in the literature in individuals with HNRNPDL-related disease. Algorithms developed to predict the effect of missense changes on protein structure and function do not agree on the potential impact of this missense change (SIFT: "Deleterious"; PolyPhen-2: "Benign"; Align-GVGD: "Class C0"). In summary, the available evidence is currently insufficient to determine the role of this variant in disease. Therefore, it has been classified as a Variant of Uncertain Significance.

NM_031372.4(HNRNPDL):c.58G>C (p.Ala20Pro)

Gene: HNRNPDL (heterogeneous nuclear ribonucleoprotein D like; minus strand). Cytogenetic location: 4q21.22.
Variant type: single nucleotide variant.
Coding change: c.58G>C on transcript NM_031372.4 (MANE Select); coding-DNA position 58, G replaced by C.
Protein change: p.Ala20Pro; replaces alanine 20 with proline.
Molecular consequence: missense variant. On other transcripts: non-coding transcript variant (1).
Genome position (GRCh38, 1-based): chr4:82,429,633, C>G on the plus strand (G>C on the coding strand, the complement: HNRNPDL is on the minus strand). VCF-style: chr4-82429633-C-G. GRCh37 (hg19) VCF-style: chr4-83350786-C-G.
Other names: c.58G>C, p.Ala20Pro (NM_001207000.1); short protein forms A20P.
Identifiers: ClinVar variation 533018 (VCV000533018.1), dbSNP rs1353089013, ClinGen allele CA357173921.